The following is an entry in ClinVar:

NM_001006658.3(CR2):c.3088+1G>A

Gene: CR2 (complement C3d receptor 2; plus strand). Cytogenetic location: 1q32.2.
Variant type: single nucleotide variant.
Coding change: c.3088+1G>A on transcript NM_001006658.3 (MANE Select); the canonical splice donor site of the intron after coding-DNA position 3088, G replaced by A.
Molecular consequence: splice donor variant.
Genome position (GRCh38, 1-based): chr1:207,478,071, G>A. VCF-style: chr1-207478071-G-A. GRCh37 (hg19) VCF-style: chr1-207651416-G-A.
Other names: c.2911+1G>A (NM_001877.5).
Identifiers: ClinVar variation 1401480 (VCV001401480.8), dbSNP rs200320927, ClinGen allele CA1369116.

ClinVar aggregate classification (germline): Likely pathogenic (1 of 4 stars; one submission).

Conditions:
Immunodeficiency, common variable, 7. Identifiers: Orphanet 1572, Orphanet 696894, MedGen C3542922, MONDO:0013862, OMIM 614699.

Allele frequency attached by ClinVar (database versions not stated): ExAC 0.00002; 1000 Genomes Project 0.00020; gnomAD 0.00001 and 0.00002; 1000 Genomes Project 30x 0.00016; TOPMed 0.00002; ESP Exome Variant Server 0.00008; gnomAD exomes 0.00001.
gnomAD v4.1: 10 of 1,613,196 alleles (0.00062%); highest among the groups gnomAD compares: East Asian, 0.0045%; no homozygotes.

Submission:

Labcorp Genetics (formerly Invitae), Labcorp
Classification: Likely pathogenic for Immunodeficiency, common variable, 7. Last evaluated: 2025-08-04. Review status: criteria provided, single submitter. Criteria: Invitae Variant Classification Sherloc (09022015). Collection method: clinical testing. Allele origin: germline.
Comment: This sequence change affects a donor splice site in intron 16 of the CR2 gene. It is expected to disrupt RNA splicing. Variants that disrupt the donor or acceptor splice site typically lead to a loss of protein function (PMID: 16199547), and loss-of-function variants in CR2 are known to be pathogenic (PMID: 26325596, 28499783). This variant is present in population databases (rs200320927, gnomAD 0.01%). This variant has not been reported in the literature in individuals affected with CR2-related conditions. ClinVar contains an entry for this variant (Variation ID: 1401480). Algorithms developed to predict the effect of sequence changes on RNA splicing suggest that this variant may disrupt the consensus splice site. In summary, the currently available evidence indicates that the variant is pathogenic, but additional data are needed to prove that conclusively. Therefore, this variant has been classified as Likely Pathogenic.

Literature cited by the submitters: PubMed 16199547; PubMed 26325596; PubMed 28499783.